The following is an entry in ClinVar:

NM_001271938.2(MEGF8):c.8133G>A (p.Pro2711=)

Gene: MEGF8 (multiple EGF like domains 8; plus strand). Cytogenetic location: 19q13.2.
Variant type: single nucleotide variant.
Coding change: c.8133G>A on transcript NM_001271938.2 (MANE Select); coding-DNA position 8133, G replaced by A.
Protein change: p.Pro2711=; no amino-acid change (proline 2711 retained).
Molecular consequence: synonymous variant.
Genome position (GRCh38, 1-based): chr19:42,376,370, G>A. VCF-style: chr19-42376370-G-A. GRCh37 (hg19) VCF-style: chr19-42880522-G-A.
Other names: c.7932G>A, p.Pro2644= (NM_001410.3).
Identifiers: ClinVar variation 784916 (VCV000784916.17), dbSNP rs370578585, ClinGen allele CA9476323.

ClinVar aggregate classification (germline): Likely benign. Review status: criteria provided, multiple submitters, no conflicts (2 of 4 stars). 3 submissions from 3 submitters: Likely benign (3). Last evaluated 2025-04-21.

Conditions:
MEGF8-related Carpenter syndrome. Also called: Carpenter syndrome 2. Identifiers: Orphanet 65759, MedGen C3554247, MONDO:0013998, OMIM 614976.

Allele frequency attached by ClinVar (database versions not stated): TOPMed 0.00015; gnomAD 0.00020 and 0.00022; ESP Exome Variant Server 0.00023.
gnomAD v4.1: 524 of 1,613,174 alleles (0.032%); highest among the groups gnomAD compares: Non-Finnish European, 0.035%; no homozygotes.

Submissions (3):

Labcorp Genetics (formerly Invitae), Labcorp
Classification: Likely benign for MEGF8-related Carpenter syndrome. Last evaluated: 2025-04-21. Review status: criteria provided, single submitter. Criteria: Invitae Variant Classification Sherloc (09022015). Collection method: clinical testing. Allele origin: germline.

CeGaT Center for Human Genetics Tuebingen
Classification: Likely benign. Last evaluated: 2025-03-01. Review status: criteria provided, single submitter. Criteria: CeGaT Center For Human Genetics Tuebingen Variant Classification Criteria Version 2. Collection method: clinical testing. Allele origin: germline. Affected: yes. Observed: 1 variant allele.
Comment: MEGF8: BP4, BP7

GeneDx
Classification: Likely benign. Last evaluated: 2018-11-06. Review status: criteria provided, single submitter. Criteria: GeneDx Variant Classification Process June 2021. Collection method: clinical testing. Allele origin: germline. Affected: yes.
Comment: See Variant Classification Assertion Criteria.